The following is an entry in ClinVar:

ClinVar aggregate classification (germline): Uncertain significance (1 of 4 stars; one submission).

Submission:

Labcorp Genetics (formerly Invitae), Labcorp
Classification: Uncertain significance. Last evaluated: 2022-06-04. Review status: criteria provided, single submitter. Criteria: Invitae Variant Classification Sherloc (09022015). Collection method: clinical testing. Allele origin: germline.
Comment: This sequence change replaces threonine, which is neutral and polar, with isoleucine, which is neutral and non-polar, at codon 860 of the CACNA1B protein (p.Thr860Ile). This variant is not present in population databases (gnomAD no frequency). This variant has not been reported in the literature in individuals affected with CACNA1B-related conditions. Advanced modeling of protein sequence and biophysical properties (such as structural, functional, and spatial information, amino acid conservation, physicochemical variation, residue mobility, and thermodynamic stability) performed at Invitae indicates that this missense variant is not expected to disrupt CACNA1B protein function. In summary, the available evidence is currently insufficient to determine the role of this variant in disease. Therefore, it has been classified as a Variant of Uncertain Significance.

NM_000718.4(CACNA1B):c.2579C>T (p.Thr860Ile)

Gene: CACNA1B (calcium voltage-gated channel subunit alpha1 B; plus strand). Cytogenetic location: 9q34.3.
Variant type: single nucleotide variant.
Coding change: c.2579C>T on transcript NM_000718.4 (MANE Select); coding-DNA position 2579, C replaced by T.
Protein change: p.Thr860Ile; replaces threonine 860 with isoleucine.
Molecular consequence: missense variant.
Genome position (GRCh38, 1-based): chr9:138,023,322, C>T. VCF-style: chr9-138023322-C-T. GRCh37 (hg19) VCF-style: chr9-140917774-C-T.
Other names: c.2579C>T, p.Thr860Ile (NM_001243812.2); short protein forms T860I.
Identifiers: ClinVar variation 2038361 (VCV002038361.1), dbSNP rs1285341735, ClinGen allele CA375809694.